The following is an entry in ClinVar:

ClinVar aggregate classification (germline): Likely benign (0 of 4 stars; one submission).

Conditions:
GNAS-related disorder. Identifiers: MedGen CN380105.

Submission:

PreventionGenetics, part of Exact Sciences
Classification: Likely benign for GNAS-related condition. Last evaluated: 2022-06-03. Review status: no assertion criteria provided. Collection method: clinical testing. Allele origin: germline.
Comment: This variant is classified as likely benign based on ACMG/AMP sequence variant interpretation guidelines (Richards et al. 2015 PMID: 25741868, with internal and published modifications).

NM_000516.7(GNAS):c.909T>G (p.Ala303=)

Gene: GNAS (GNAS complex locus; plus strand). Cytogenetic location: 20q13.32.
Variant type: single nucleotide variant.
Coding change: c.909T>G on transcript NM_000516.7 (MANE Select); coding-DNA position 909, T replaced by G.
Protein change: p.Ala303=; no amino-acid change (alanine 303 retained).
Molecular consequence: synonymous variant. On other transcripts: 3 prime UTR variant (2).
Genome position (GRCh38, 1-based): chr20:58,910,020, T>G. VCF-style: chr20-58910020-T-G. GRCh37 (hg19) VCF-style: chr20-57485075-T-G.
Other names: c.912T>G, p.Ala304= (NM_001077488.5); c.864T>G, p.Ala288= (NM_001077489.4); c.*770T>G (NM_001077490.3); c.732T>G, p.Ala244= (NM_001309840.2, NM_001309861.2); c.813T>G, p.Ala271= (NM_001410912.1); c.2793T>G, p.Ala931= (NM_001410913.1); c.*815T>G (NM_016592.5); c.2838T>G, p.Ala946= (NM_080425.4); and 1 more.
Identifiers: ClinVar variation 3354428 (VCV003354428.1).